The following is an entry in ClinVar:

NM_004795.4(KL):c.761C>T (p.Ala254Val)

Gene: KL (klotho; plus strand). Cytogenetic location: 13q13.1.
Variant type: single nucleotide variant.
Coding change: c.761C>T on transcript NM_004795.4 (MANE Select); coding-DNA position 761, C replaced by T.
Protein change: p.Ala254Val; replaces alanine 254 with valine.
Molecular consequence: missense variant.
Genome position (GRCh38, 1-based): chr13:33,017,201, C>T. VCF-style: chr13-33017201-C-T. GRCh37 (hg19) VCF-style: chr13-33591339-C-T.
Other names: short protein forms A254V.
Identifiers: ClinVar variation 3008479 (VCV003008479.3), dbSNP rs749864328, ClinGen allele CA6943949.

ClinVar aggregate classification (germline): Uncertain significance (1 of 4 stars; one submission).

Allele frequency attached by ClinVar (database versions not stated): ExAC 0.00003.
gnomAD v4.1: 11 of 1,596,174 alleles (0.00069%); highest among the groups gnomAD compares: East Asian, 0.0067%; no homozygotes.

Submission:

Labcorp Genetics (formerly Invitae), Labcorp
Classification: Uncertain significance. Last evaluated: 2024-06-17. Review status: criteria provided, single submitter. Criteria: Invitae Variant Classification Sherloc (09022015). Collection method: clinical testing. Allele origin: germline.
Comment: This sequence change replaces alanine, which is neutral and non-polar, with valine, which is neutral and non-polar, at codon 254 of the KL protein (p.Ala254Val). This variant is present in population databases (rs749864328, gnomAD 0.002%). This variant has not been reported in the literature in individuals affected with KL-related conditions. Advanced modeling of protein sequence and biophysical properties (such as structural, functional, and spatial information, amino acid conservation, physicochemical variation, residue mobility, and thermodynamic stability) has been performed at Invitae for this missense variant, however the output from this modeling did not meet the statistical confidence thresholds required to predict the impact of this variant on KL protein function. In summary, the available evidence is currently insufficient to determine the role of this variant in disease. Therefore, it has been classified as a Variant of Uncertain Significance.